The following is an entry in ClinVar:

ClinVar aggregate classification (germline): Uncertain significance (1 of 4 stars; one submission).

Conditions:
Neuropathy, hereditary sensory, type 2C. Also called: Hereditary sensory and autonomic neuropathy type IIC; KIF1A-Related HSAN2 (HSAN2C). Identifiers: Orphanet 970, MedGen C3280168, MONDO:0013634, OMIM 614213.
Intellectual disability, autosomal dominant 9 (NESCAVS). Also called: KIF1A-Related Neurodevelopmental Disorder; NESCAV SYNDROME. Identifiers: Orphanet 662367, MedGen C5393830, MONDO:0013656, OMIM 614255.
Hereditary spastic paraplegia 30. Identifiers: Orphanet 101010, MedGen C5235139, MONDO:0012476.

Submission:

Labcorp Genetics (formerly Invitae), Labcorp
Classification: Uncertain significance for Hereditary spastic paraplegia 30; Neuropathy, hereditary sensory, type 2C; Intellectual disability, autosomal dominant 9. Last evaluated: 2022-05-08. Review status: criteria provided, single submitter. Criteria: Invitae Variant Classification Sherloc (09022015). Collection method: clinical testing. Allele origin: germline.
Comment: ClinVar contains an entry for this variant (Variation ID: 1021380). This variant has not been reported in the literature in individuals affected with KIF1A-related conditions. This variant is not present in population databases (gnomAD no frequency). This sequence change replaces threonine, which is neutral and polar, with alanine, which is neutral and non-polar, at codon 392 of the KIF1A protein (p.Thr392Ala). Advanced modeling of protein sequence and biophysical properties (such as structural, functional, and spatial information, amino acid conservation, physicochemical variation, residue mobility, and thermodynamic stability) performed at Invitae indicates that this missense variant is not expected to disrupt KIF1A protein function. In summary, the available evidence is currently insufficient to determine the role of this variant in disease. Therefore, it has been classified as a Variant of Uncertain Significance.

NM_001244008.2(KIF1A):c.1174A>G (p.Thr392Ala)

Gene: KIF1A (kinesin family member 1A; minus strand). Cytogenetic location: 2q37.3.
Variant type: single nucleotide variant.
Coding change: c.1174A>G on transcript NM_001244008.2 (MANE Select); coding-DNA position 1174, A replaced by G.
Protein change: p.Thr392Ala; replaces threonine 392 with alanine.
Molecular consequence: missense variant.
Genome position (GRCh38, 1-based): chr2:240,773,120, T>C on the plus strand (A>G on the coding strand, the complement: KIF1A is on the minus strand). VCF-style: chr2-240773120-T-C. GRCh37 (hg19) VCF-style: chr2-241712537-T-C.
Other names: c.1174A>G, p.Thr392Ala (NM_001320705.2, NM_001330289.2, NM_001330290.2 and 20 more transcripts); short protein forms T392A.
Identifiers: ClinVar variation 1021380 (VCV001021380.9), dbSNP rs2052237059, ClinGen allele CA351294843.